The following is an entry in ClinVar:

ClinVar aggregate classification (germline): Uncertain significance. Review status: criteria provided, multiple submitters, no conflicts (2 of 4 stars). 2 submissions from 2 submitters: Uncertain significance (2). Last evaluated 2025-05-20.

Conditions:
3-methylglutaconic aciduria, type VIIB (MGCA7B). Also called: CLPB Deficiency; 3-methylglutaconic aciduria with cataracts, neurologic involvement and neutropenia; 3-methylglutaconic aciduria, type VII, with cataracts, neurologic involvement and neutropenia. Identifiers: Orphanet 445038, MedGen C5676893, MONDO:0014561, OMIM 616271.

Allele frequency attached by ClinVar (database versions not stated): TOPMed below 0.00001; gnomAD 0.00001; gnomAD exomes 0.00001.
gnomAD v4.1: 16 of 1,614,080 alleles (0.00099%); highest among the groups gnomAD compares: Admixed American, 0.0017%; no homozygotes.

Submissions (2):

Women's Health and Genetics/Laboratory Corporation of America, LabCorp
Classification: Uncertain significance. Last evaluated: 2025-05-20. Review status: criteria provided, single submitter. Criteria: LabCorp Variant Classification Summary - May 2015. Collection method: clinical testing. Allele origin: germline.
Comment: Variant summary: CLPB c.1688A>G (p.Asn563Ser) results in a conservative amino acid change in the encoded protein sequence. Algorithms developed to predict the effect of missense changes on protein structure and function are either unavailable or do not agree on the potential impact of this missense change. The variant allele was found at a frequency of 4e-06 in 251166 control chromosomes. The available data on variant occurrences in the general population are insufficient to allow any conclusion about variant significance. To our knowledge, no occurrence of c.1688A>G in individuals affected with 3-Methylglutaconic Aciduria, Type VIIB and no experimental evidence demonstrating its impact on protein function have been reported. ClinVar contains an entry for this variant (Variation ID: 2795805). Based on the evidence outlined above, the variant was classified as uncertain significance.

Labcorp Genetics (formerly Invitae), Labcorp
Classification: Uncertain significance for 3-methylglutaconic aciduria, type VIIB. Last evaluated: 2022-12-08. Review status: criteria provided, single submitter. Criteria: Invitae Variant Classification Sherloc (09022015). Collection method: clinical testing. Allele origin: germline.
Comment: This sequence change replaces asparagine, which is neutral and polar, with serine, which is neutral and polar, at codon 563 of the CLPB protein (p.Asn563Ser). This variant is present in population databases (no rsID available, gnomAD 0.002%). This variant has not been reported in the literature in individuals affected with CLPB-related conditions. Algorithms developed to predict the effect of missense changes on protein structure and function are either unavailable or do not agree on the potential impact of this missense change (SIFT: "Tolerated"; PolyPhen-2: "Probably Damaging"; Align-GVGD: "Class C0"). In summary, the available evidence is currently insufficient to determine the role of this variant in disease. Therefore, it has been classified as a Variant of Uncertain Significance.

NM_001258392.3(CLPB):c.1598A>G (p.Asn533Ser)

Gene: CLPB (ClpB family mitochondrial disaggregase; minus strand). Cytogenetic location: 11q13.4.
Variant type: single nucleotide variant.
Coding change: c.1598A>G on transcript NM_001258392.3 (MANE Select); coding-DNA position 1598, A replaced by G.
Protein change: p.Asn533Ser; replaces asparagine 533 with serine.
Molecular consequence: missense variant.
Genome position (GRCh38, 1-based): chr11:72,294,407, T>C on the plus strand (A>G on the coding strand, the complement: CLPB is on the minus strand). VCF-style: chr11-72294407-T-C. GRCh37 (hg19) VCF-style: chr11-72005451-T-C.
Other names: c.1511A>G, p.Asn504Ser (NM_001258393.3); c.1553A>G, p.Asn518Ser (NM_001258394.3); c.1688A>G, p.Asn563Ser (NM_030813.6); short protein forms N533S, N563S, N518S, N504S.
Identifiers: ClinVar variation 2795805 (VCV002795805.4), dbSNP rs1380274922, ClinGen allele CA381726517.
Genomic context (GRCh38, chr11:72,294,407, plus strand): 5'-TCCTTGTTGACGAGTTGGATGAGCTCCGAGTGGCAGAAGGGGAGGAAGTAGACGATCTCA[T>C]TGATCCGTCCCAGAAACTCATCCCTCCGGAAGTGAGCCTGAAGGGCCAGGTTAGGGGTGG-3'
Protein context (NP_001245321.1, residues 523-543): FRRDEFLGRI[Asn533Ser]EIVYFLPFCH